The following is an entry in ClinVar:

NM_006015.6(ARID1A):c.1124C>G (p.Ala375Gly)

Genes: ARID1A (AT-rich interaction domain 1A; plus strand), LOC129929837 (ATAC-STARR-seq lymphoblastoid silent region 489; plus strand). Cytogenetic location: 1p36.11.
Variant type: single nucleotide variant.
Coding change: c.1124C>G on transcript NM_006015.6 (MANE Select); coding-DNA position 1124, C replaced by G.
Protein change: p.Ala375Gly; replaces alanine 375 with glycine.
Molecular consequence: missense variant.
Genome position (GRCh38, 1-based): chr1:26,697,527, C>G. VCF-style: chr1-26697527-C-G. GRCh37 (hg19) VCF-style: chr1-27024018-C-G.
Other names: c.1124C>G, p.Ala375Gly (NM_139135.4); short protein forms A375G.
Identifiers: ClinVar variation 4086414 (VCV004086414.1).

ClinVar aggregate classification (germline): Uncertain significance (1 of 4 stars; one submission).

Submission:

GeneDx
Classification: Uncertain significance. Last evaluated: 2025-03-21. Review status: criteria provided, single submitter. Criteria: GeneDx Variant Classification Process June 2021. Collection method: clinical testing. Allele origin: germline. Affected: yes.
Comment: Not observed at significant frequency in large population cohorts (gnomAD); In silico analysis indicates that this missense variant does not alter protein structure/function; Has not been previously published as pathogenic or benign to our knowledge